The following is an entry in ClinVar:

NM_001457.4(FLNB):c.6792C>G (p.Ile2264Met)

Gene: FLNB (filamin B; plus strand). Cytogenetic location: 3p14.3.
Variant type: single nucleotide variant.
Coding change: c.6792C>G on transcript NM_001457.4 (MANE Select); coding-DNA position 6792, C replaced by G.
Protein change: p.Ile2264Met; replaces isoleucine 2264 with methionine.
Molecular consequence: missense variant.
Genome position (GRCh38, 1-based): chr3:58,155,979, C>G. VCF-style: chr3-58155979-C-G. GRCh37 (hg19) VCF-style: chr3-58141706-C-G.
Other names: c.6792C>G (NM_001457.3); c.6885C>G, p.Ile2295Met (NM_001164317.2); c.6759C>G, p.Ile2253Met (NM_001164318.2); c.6720C>G, p.Ile2240Met (NM_001164319.2); short protein forms I2240M, I2253M, I2264M, I2295M.
Identifiers: ClinVar variation 1007352 (VCV001007352.6), dbSNP rs142747695, ClinGen allele CA2469503.

ClinVar aggregate classification (germline): Uncertain significance. Review status: criteria provided, multiple submitters, no conflicts (2 of 4 stars). 2 submissions from 2 submitters: Uncertain significance (2). Last evaluated 2025-08-29.

Allele frequency attached by ClinVar (database versions not stated): gnomAD 0.00003 and 0.00004; TOPMed 0.00003; ExAC 0.00001; gnomAD exomes 0.00001 and 0.00006; ESP Exome Variant Server 0.00015.
gnomAD v4.1: 92 of 1,613,460 alleles (0.0057%); highest among the groups gnomAD compares: Non-Finnish European, 0.0076%; no homozygotes.

Submissions (2):

Labcorp Genetics (formerly Invitae), Labcorp
Classification: Uncertain significance. Last evaluated: 2025-08-29. Review status: criteria provided, single submitter. Criteria: Invitae Variant Classification Sherloc (09022015). Collection method: clinical testing. Allele origin: germline.
Comment: This sequence change replaces isoleucine, which is neutral and non-polar, with methionine, which is neutral and non-polar, at codon 2264 of the FLNB protein (p.Ile2264Met). This variant is present in population databases (rs142747695, gnomAD 0.003%). This variant has not been reported in the literature in individuals affected with FLNB-related conditions. ClinVar contains an entry for this variant (Variation ID: 1007352). Invitae Evidence Modeling of protein sequence and biophysical properties (such as structural, functional, and spatial information, amino acid conservation, physicochemical variation, residue mobility, and thermodynamic stability) indicates that this missense variant is not expected to disrupt FLNB protein function with a negative predictive value of 95%. In summary, the available evidence is currently insufficient to determine the role of this variant in disease. Therefore, it has been classified as a Variant of Uncertain Significance.

GeneDx
Classification: Uncertain significance. Last evaluated: 2022-10-05. Review status: criteria provided, single submitter. Criteria: GeneDx Variant Classification Process June 2021. Collection method: clinical testing. Allele origin: germline. Affected: yes.
Comment: Not observed at significant frequency in large population cohorts (gnomAD); In silico analysis supports that this missense variant does not alter protein structure/function; Has not been previously published as pathogenic or benign to our knowledge